The following is an entry in ClinVar:

ClinVar aggregate classification (germline): Conflicting classifications of pathogenicity. Review status: criteria provided, conflicting classifications (1 of 4 stars). 2 submissions from 2 submitters: Pathogenic (1); Uncertain significance (1). Last evaluated 2023-03-22.

Conditions:
Erythrocytosis, familial, 6. Also called: ERYTHROCYTOSIS, BETA-GLOBIN TYPE; POLYCYTHEMIA, BETA-GLOBIN TYPE. Identifiers: MedGen C4693822, MONDO:0054801, OMIM 617980.

Allele frequency attached by ClinVar (database versions not stated): gnomAD exomes below 0.00001.
gnomAD v4.1: 1 of 1,614,068 alleles (0.000062%); highest among the groups gnomAD compares: Non-Finnish European, 0.000085%; no homozygotes.

Submissions (2):

Women's Health and Genetics/Laboratory Corporation of America, LabCorp
Classification: Uncertain significance. Last evaluated: 2023-03-22. Review status: criteria provided, single submitter. Criteria: LabCorp Variant Classification Summary - May 2015. Collection method: clinical testing. Allele origin: germline.
Comment: Variant summary: HBB c.300T>A (p.Asp100Glu) results in a conservative amino acid change in the encoded protein sequence. Four of five in-silico tools predict a damaging effect of the variant on protein function. The variant was absent in 251404 control chromosomes (gnomAD). The available data on variant occurrences in the general population are insufficient to allow any conclusion about variant significance. The variant, c.300T>A, (also known as Asp99Glu or Hb Coimbra) is a known high oxygen affinity hemoglobin variant, and is reported in several heterozygotes, who were mostly asymptomatic and had compensatory erythrocytosis found in routine blood tests (e.g. Tamagnini_1991, Bento_2013, Oliveira_2018). To our knowledge, no homozygous occurrences or compound heterozygosity with pathogenic HBB variants were reported, therefore no clear conclusions about association of the variant with Hemoglobinopathy can be made. Publications reported experimental evidence evaluating samples from heterozygous carriers, and demonstrated that the variant resulted in an increase in oxygen affinity (Tamagnini_1991, Jorge_2018), but no differences in Bohr effect were found (Jorge_2018). One submitter has provided clinical-significance assessments for this variant to ClinVar after 2014 and classified the variant as pathogenic for Erythrocytosis. Based on the evidence outlined above, the variant was classified as uncertain significance.

Unidade de Eritropatologia e Metabolismo do Ferro, Centro Hospitalar e Universitário de Coimbra
Classification: Pathogenic for Erythrocytosis, familial, 6. Last evaluated: 2019-11-01. Review status: criteria provided, single submitter. Criteria: Bento et al. (Eur J Haematol. 2013). Collection method: case-control. Allele origin: germline. Inheritance: Autosomal dominant inheritance. Affected: yes. Observed: 1 heterozygote.
Comment: The Asp100Glu variant in HBB is a high oxygen affinity hemoglobin described first in members of a Portuguese family. The altered functional properties of this variant likely result from the inability to form a hydrogen bond between beta-chain aa 100Glu and alpha-chain aa 43Tyr; such a bond is formed in deoxy Hb A between the normally occurring beta 100Asp and alpha 43Tyr. The affected members have a distinct erythrocytosis with high hemoglobin levels.

Literature cited by the submitters: PubMed 1814856 (cited by Women's Health and Genetics/Laboratory Corporation of America, LabCorp); PubMed 23859443 (cited by Women's Health and Genetics/Laboratory Corporation of America, LabCorp); PubMed 29790589 (cited by Women's Health and Genetics/Laboratory Corporation of America, LabCorp); PubMed 29199120 (cited by Women's Health and Genetics/Laboratory Corporation of America, LabCorp).

NM_000518.5(HBB):c.300T>A (p.Asp100Glu)

Genes: HBB (hemoglobin subunit beta; minus strand), LOC106099062 (HBB recombination region; plus strand), LOC107133510 (origin of replication at HBB; plus strand). Cytogenetic location: 11p15.4.
Variant type: single nucleotide variant.
Coding change: c.300T>A on transcript NM_000518.5 (MANE Select); coding-DNA position 300, T replaced by A.
Protein change: p.Asp100Glu; replaces aspartic acid 100 with glutamic acid.
Molecular consequence: missense variant.
Genome position (GRCh38, 1-based): chr11:5,226,592, A>T on the plus strand (T>A on the coding strand, the complement: HBB is on the minus strand). VCF-style: chr11-5226592-A-T. GRCh37 (hg19) VCF-style: chr11-5247822-A-T.
Other names: c.300T>A (NM_000518.4); short protein forms D100E.
Identifiers: ClinVar variation 917854 (VCV000917854.4), dbSNP rs34013622, ClinGen allele CA217113480.
Genomic context (GRCh38, chr11:5,226,592, plus strand): 5'-TAGAAAAGAAGGGGAAAGAAAACATCAAGCGTCCCATAGACTCACCCTGAAGTTCTCAGG[A>T]TCCACGTGCAGCTTGTCACAGTGCAGCTCACTCAGTGTGGCAAAGGTGCCCTTGAGGTTG-3'
Protein context (NP_000509.1, residues 90-110): SELHCDKLHV[Asp100Glu]PENFRLLGNV